The following is an entry in ClinVar:

NM_001170629.2(CHD8):c.6046G>A (p.Val2016Ile)

Gene: CHD8 (chromodomain helicase DNA binding protein 8; minus strand). Cytogenetic location: 14q11.2.
Variant type: single nucleotide variant.
Coding change: c.6046G>A on transcript NM_001170629.2 (MANE Select); coding-DNA position 6046, G replaced by A.
Protein change: p.Val2016Ile; replaces valine 2016 with isoleucine.
Molecular consequence: missense variant.
Genome position (GRCh38, 1-based): chr14:21,393,749, C>T on the plus strand (G>A on the coding strand, the complement: CHD8 is on the minus strand). VCF-style: chr14-21393749-C-T. GRCh37 (hg19) VCF-style: chr14-21861908-C-T.
Other names: c.5209G>A, p.Val1737Ile (NM_020920.4); short protein forms V1737I, V2016I.
Identifiers: ClinVar variation 1304827 (VCV001304827.2), dbSNP rs1887649973, ClinGen allele CA388880525.

ClinVar aggregate classification (germline): Uncertain significance (1 of 4 stars; one submission).

Submission:

GeneDx
Classification: Uncertain significance. Last evaluated: 2019-07-25. Review status: criteria provided, single submitter. Criteria: GeneDx Variant Classification Process June 2021. Collection method: clinical testing. Allele origin: germline. Affected: yes.
Comment: Not observed in large population cohorts (Lek et al., 2016); In silico analysis, which includes protein predictors and evolutionary conservation, supports that this variant does not alter protein structure/function; Has not been previously published as pathogenic or benign to our knowledge